The following is an entry in ClinVar:

NM_013382.7(POMT2):c.1116+165C>T

Gene: POMT2 (protein O-mannosyltransferase 2; minus strand). Cytogenetic location: 14q24.3.
Variant type: single nucleotide variant.
Coding change: c.1116+165C>T on transcript NM_013382.7 (MANE Select); 165 bases into the intron after coding-DNA position 1116, C replaced by T.
Molecular consequence: intron variant.
Genome position (GRCh38, 1-based): chr14:77,295,999, G>A on the plus strand (C>T on the coding strand, the complement: POMT2 is on the minus strand). VCF-style: chr14-77295999-G-A. GRCh37 (hg19) VCF-style: chr14-77762342-G-A.
Identifiers: ClinVar variation 674396 (VCV000674396.2), dbSNP rs67600987, ClinGen allele CA13995992.

ClinVar aggregate classification (germline): Benign. Review status: criteria provided, multiple submitters, no conflicts (2 of 4 stars). 2 submissions from 2 submitters: Benign (2). Last evaluated 2018-06-14.

Allele frequency attached by ClinVar (database versions not stated): 1000 Genomes Project 30x 0.07776; 1000 Genomes Project 0.07987; TOPMed 0.08093; gnomAD 0.08617 and 0.08971.
gnomAD v4.1: 13,675 of 152,126 alleles (9%); highest among the groups gnomAD compares: South Asian, 19%; 782 homozygotes.

Submissions (2):

GeneDx
Classification: Benign. Last evaluated: 2018-06-14. Review status: criteria provided, single submitter. Criteria: GeneDx Variant Classification (06012015). Collection method: clinical testing. Allele origin: germline. Affected: yes.
Comment: This variant is considered likely benign or benign based on one or more of the following criteria: it is a conservative change, it occurs at a poorly conserved position in the protein, it is predicted to be benign by multiple in silico algorithms, and/or has population frequency not consistent with disease.

Breakthrough Genomics
Classification: Benign. Review status: criteria provided, single submitter. Criteria: ACMG Guidelines, 2015. Collection method: not provided. Allele origin: germline. Inheritance: Autosomal recessive inheritance. Affected: yes.